The following is an entry in ClinVar:

NM_018100.4(EFHC1):c.1098del (p.Ile367fs)

Gene: EFHC1 (EF-hand domain containing 1; plus strand). Cytogenetic location: 6p12.2.
Variant type: Deletion.
Coding change: c.1098del on transcript NM_018100.4 (MANE Select); coding-DNA position 1098, one base deleted (T; older notation c.1098delT).
Protein change: p.Ile367fs; shifts the reading frame from isoleucine 367.
Molecular consequence: frameshift variant. On other transcripts: non-coding transcript variant (1).
Genome position (GRCh38, 1-based): chr6:52,465,076, T deleted. VCF-style (leftmost placement, unchanged base first): chr6-52465075-GT-G. GRCh37 (hg19) VCF-style: chr6-52329873-GT-G.
Other names: c.1041del, p.Ile348fs (NM_001172420.2); c.1098delT (NM_018100.4); short protein forms I348fs, I367fs.
Identifiers: ClinVar variation 1482836 (VCV001482836.7), dbSNP rs1181131881, ClinGen allele CA567636788.

ClinVar aggregate classification (germline): Uncertain significance. Review status: criteria provided, multiple submitters, no conflicts (2 of 4 stars). 2 submissions from 2 submitters: Uncertain significance (2). Last evaluated 2024-12-30.

Conditions:
Myoclonic epilepsy, juvenile, susceptibility to, 1. Also called: EJM1; Myoclonic Epilepsy, Juvenile, 1. Identifiers: MedGen C1850778, MONDO:0020752, OMIM 254770.
Absence seizure. Also called: Absence epilepsy. Identifiers: Orphanet 1941, MedGen C0014553.

Allele frequency attached by ClinVar (database versions not stated): gnomAD exomes 0.00001.

Submissions (2):

Women's Health and Genetics/Laboratory Corporation of America, LabCorp
Classification: Uncertain significance. Last evaluated: 2024-12-30. Review status: criteria provided, single submitter. Criteria: LabCorp Variant Classification Summary - May 2015. Collection method: clinical testing. Allele origin: germline.
Comment: Variant summary: EFHC1 c.1098delT (p.Ile367LeufsX3) results in a premature termination codon, predicted to cause a truncation of the encoded protein or absence of the protein due to nonsense mediated decay, however current evidence is not sufficient to establish loss of function as a mechanism for disease. The variant allele was found at a frequency of 8e-06 in 251294 control chromosomes. The available data on variant occurrences in the general population are insufficient to allow any conclusion about variant significance. To our knowledge, no occurrence of c.1098delT in individuals affected with Juvenile Myoclonic Epilepsy and no experimental evidence demonstrating its impact on protein function have been reported. ClinVar contains an entry for this variant (Variation ID: 1482836). Based on the evidence outlined above, the variant was classified as uncertain significance.

Labcorp Genetics (formerly Invitae), Labcorp
Classification: Uncertain significance for Myoclonic epilepsy, juvenile, susceptibility to, 1; Absence seizure. Last evaluated: 2020-11-17. Review status: criteria provided, single submitter. Criteria: Invitae Variant Classification Sherloc (09022015). Collection method: clinical testing. Allele origin: germline.
Comment: This sequence change creates a premature translational stop signal (p.Ile367Leufs*3) in the EFHC1 gene. It is expected to result in an absent or disrupted protein product. However, the current clinical and genetic evidence is not sufficient to establish whether loss-of-function variants in EFHC1 cause disease. This variant is not present in population databases (ExAC no frequency). This variant has not been reported in the literature in individuals with EFHC1-related conditions. In summary, the available evidence is currently insufficient to determine the role of this variant in disease. Therefore, it has been classified as a Variant of Uncertain Significance.